The following is an entry in ClinVar:

ClinVar aggregate classification (germline): Uncertain significance. Review status: criteria provided, single submitter (1 of 4 stars). 2 submissions from 2 submitters: Uncertain significance (1). 1 of the submissions does not count toward it. Last evaluated 2022-08-09.

Conditions:
Maple syrup urine disease type 1B (MSUD1B). Also called: MSUD type IB; MSUD type 3 (formerly); MSUD due to deficiency of e1-beta subunit of branched-chain alpha-keto acid dehydrogenase complex. Identifiers: MedGen C2930990, MONDO:0023692, OMIM 620698.
Maple syrup urine disease (MSUD). Identifiers: Orphanet 511, MedGen C0024776, MeSH D008375, MONDO:0009563. Disease mechanism: loss of function.

Allele frequency attached by ClinVar (database versions not stated): gnomAD exomes below 0.00001 and 0.00001; TOPMed 0.00001.
gnomAD v4.1: 4 of 1,614,024 alleles (0.00025%); highest among the groups gnomAD compares: African/African-American, 0.0027%; no homozygotes.

Submissions (2):

Labcorp Genetics (formerly Invitae), Labcorp
Classification: Uncertain significance for Maple syrup urine disease. Last evaluated: 2022-08-09. Review status: criteria provided, single submitter. Criteria: Invitae Variant Classification Sherloc (09022015). Collection method: clinical testing. Allele origin: germline.
Comment: In summary, the available evidence is currently insufficient to determine the role of this variant in disease. Therefore, it has been classified as a Variant of Uncertain Significance. Algorithms developed to predict the effect of missense changes on protein structure and function (SIFT, PolyPhen-2, Align-GVGD) all suggest that this variant is likely to be tolerated. ClinVar contains an entry for this variant (Variation ID: 527134). This variant has not been reported in the literature in individuals affected with BCKDHB-related conditions. This variant is present in population databases (no rsID available, gnomAD 0.007%). This sequence change replaces glutamic acid, which is acidic and polar, with lysine, which is basic and polar, at codon 348 of the BCKDHB protein (p.Glu348Lys).

Natera, Inc.
Classification: Uncertain significance for Maple syrup urine disease type 1B. Last evaluated: 2020-07-31. Review status: no assertion criteria provided. Collection method: clinical testing. Allele origin: germline. Not counted in ClinVar's aggregate classification.

NM_183050.4(BCKDHB):c.1042G>A (p.Glu348Lys)

Gene: BCKDHB (branched chain keto acid dehydrogenase E1 subunit beta; plus strand). Cytogenetic location: 6q14.1.
Variant type: single nucleotide variant.
Coding change: c.1042G>A on transcript NM_183050.4 (MANE Select); coding-DNA position 1042, G replaced by A.
Protein change: p.Glu348Lys; replaces glutamic acid 348 with lysine.
Molecular consequence: missense variant. On other transcripts: non-coding transcript variant (1).
Genome position (GRCh38, 1-based): chr6:80,343,667, G>A. VCF-style: chr6-80343667-G-A. GRCh37 (hg19) VCF-style: chr6-81053384-G-A.
Other names: c.1042G>A, p.Glu348Lys (NM_000056.5); c.832G>A, p.Glu278Lys (NM_001318975.1); short protein forms E348K, E278K.
Identifiers: ClinVar variation 527134 (VCV000527134.10), dbSNP rs989873156, ClinGen allele CA142303327.
Genomic context (GRCh38, chr6:80,343,667, plus strand): 5'-TTCATTTCTGTGAGTAAAAAAAATTCTTGAAGTTAAGCATCCTGACTCTGTCTGCAGGAG[G>A]AATGTTTCTTGAACCTAGAGGCTCCTATATCAAGAGTATGTGGTTATGACACACCATTTC-3'
Protein context (NP_898871.1, residues 338-358): ASEISSTVQE[Glu348Lys]CFLNLEAPIS